The following is an entry in ClinVar:

NM_000443.4(ABCB4):c.902T>A (p.Met301Lys)

Gene: ABCB4 (ATP binding cassette subfamily B member 4; minus strand). Cytogenetic location: 7q21.12.
Variant type: single nucleotide variant.
Coding change: c.902T>A on transcript NM_000443.4 (MANE Select); coding-DNA position 902, T replaced by A.
Protein change: p.Met301Lys; replaces methionine 301 with lysine.
Molecular consequence: missense variant.
Genome position (GRCh38, 1-based): chr7:87,447,137, A>T on the plus strand (T>A on the coding strand, the complement: ABCB4 is on the minus strand). VCF-style: chr7-87447137-A-T. GRCh37 (hg19) VCF-style: chr7-87076453-A-T.
Other names: c.902T>A, p.Met301Lys (NM_018849.3, NM_018850.3); short protein forms M301K.
Identifiers: ClinVar variation 4846558 (VCV004846558.1).

ClinVar aggregate classification (germline): Uncertain significance (1 of 4 stars; one submission).

Conditions:
Familial intrahepatic cholestasis. Identifiers: Orphanet 284385, MedGen CN296401, MONDO:0017290.

Submission:

Genomenon, Inc
Classification: Uncertain significance for Familial intrahepatic cholestasis. Last evaluated: 2026-04-14. Review status: criteria provided, single submitter. Criteria: Genomenon Sequence Variant Interpretation Standards - Updated. Collection method: curation. Allele origin: germline. Affected: yes.
Comment: ABCB4 p.Met301Lys (c.902T>A) is a missense variant that changes the amino acid at residue 301 from Methionine to Lysine. This variant has been observed in at least one proband with an ABCB4-related disorder (PMID:33757843). It is absent or not present at a significant frequency in gnomAD. In silico models predict that this variant is possibly or probably damaging. In conclusion, we classify ABCB4 p.Met301Lys (c.902T>A) as a variant of uncertain significance.

Literature cited by the submitters: PubMed 33757843.